The following is an entry in ClinVar:

ClinVar aggregate classification (germline): Uncertain significance (1 of 4 stars; one submission).

Conditions:
Malignant hyperthermia, susceptibility to, 1 (MHS1). Also called: RYR1-Related Malignant Hyperthermia Susceptibility; Malignant hyperthermia suceptibility 1; Anesthesia related hyperthermia; Malignant hyperpyrexia; Fulminating hyperpyrexia; Pharmacogenic myopathy. Identifiers: Orphanet 423, MedGen C2930980, MONDO:0007783, OMIM 145600.

gnomAD v4.1: 5 of 1,612,638 alleles (0.00031%); highest among the groups gnomAD compares: Non-Finnish European, 0.00042%; no homozygotes.

Submission:

Color Diagnostics, LLC DBA Color Health
Classification: Uncertain significance for Malignant hyperthermia, susceptibility to, 1. Last evaluated: 2025-07-16. Review status: criteria provided, single submitter. Criteria: ACMG Guidelines, 2015. Collection method: clinical testing. Allele origin: germline.
Comment: This missense variant replaces tyrosine with cysteine at codon 4193 of the RYR1 protein. Computational prediction suggests that this variant may have deleterious impact on protein structure and function. To our knowledge, functional studies have not been reported for this variant. This variant has not been reported in individuals affected with RYR1-related disorders in the literature. This variant has not been identified in the general population by the Genome Aggregation Database (gnomAD). The available evidence is insufficient to determine the role of this variant in disease conclusively. Therefore, this variant is classified as a Variant of Uncertain Significance.

NM_000540.3(RYR1):c.12578A>G (p.Tyr4193Cys)

Gene: RYR1 (ryanodine receptor 1; plus strand). Cytogenetic location: 19q13.2.
Variant type: single nucleotide variant.
Coding change: c.12578A>G on transcript NM_000540.3 (MANE Select); coding-DNA position 12578, A replaced by G.
Protein change: p.Tyr4193Cys; replaces tyrosine 4193 with cysteine.
Molecular consequence: missense variant.
Genome position (GRCh38, 1-based): chr19:38,561,408, A>G. VCF-style: chr19-38561408-A-G. GRCh37 (hg19) VCF-style: chr19-39052048-A-G.
Other names: c.12563A>G, p.Tyr4188Cys (NM_001042723.2); short protein forms Y4188C, Y4193C.
Identifiers: ClinVar variation 4757373 (VCV004757373.1).